The following is an entry in ClinVar:

NM_001388367.1(NBPF9):c.2219A>G (p.Glu740Gly)

Gene: NBPF9 (NBPF member 9; minus strand). Cytogenetic location: 1q21.2.
Variant type: single nucleotide variant.
Coding change: c.2219A>G on transcript NM_001388367.1 (MANE Select); coding-DNA position 2219, A replaced by G.
Protein change: p.Glu740Gly; replaces glutamic acid 740 with glycine.
Molecular consequence: missense variant.
Genome position (GRCh38, 1-based): chr1:149,062,125, T>C on the plus strand (A>G on the coding strand, the complement: NBPF9 is on the minus strand). VCF-style: chr1-149062125-T-C. GRCh37 (hg19) VCF-style: chr1-144825493-A-G.
Other names: c.2219A>G, p.Glu740Gly (NM_001037675.4, NM_001277444.2, NM_001388366.1 and 15 more transcripts); c.2108A>G, p.Glu703Gly (NM_001388371.1); short protein forms E703G, E740G.
Identifiers: ClinVar variation 4083808 (VCV004083808.8).

ClinVar aggregate classification (germline): Likely benign (1 of 4 stars; one submission).

gnomAD v4.1: 5,789 of 1,134,016 alleles (0.51%); highest among the groups gnomAD compares: Non-Finnish European, 0.67%; 70 homozygotes.

Submission:

CeGaT Center for Human Genetics Tuebingen
Classification: Likely benign. Last evaluated: 2025-07-01. Review status: criteria provided, single submitter. Criteria: CeGaT Center For Human Genetics Tuebingen Variant Classification Criteria Version 2. Collection method: clinical testing. Allele origin: germline. Affected: yes. Observed: 1 variant allele.
Comment: NBPF9: BS2